The following is an entry in ClinVar:

NM_001080467.3(MYO5B):c.4875G>A (p.Glu1625=)

Genes: MYO5B (myosin VB; minus strand), SNHG22 (small nucleolar RNA host gene 22; plus strand). Cytogenetic location: 18q21.1.
Variant type: single nucleotide variant.
Coding change: c.4875G>A on transcript NM_001080467.3 (MANE Select); coding-DNA position 4875, G replaced by A.
Protein change: p.Glu1625=; no amino-acid change (glutamic acid 1625 retained).
Molecular consequence: synonymous variant.
Genome position (GRCh38, 1-based): chr18:49,837,780, C>T on the plus strand (G>A on the coding strand, the complement: MYO5B is on the minus strand). VCF-style: chr18-49837780-C-T. GRCh37 (hg19) VCF-style: chr18-47364150-C-T.
Identifiers: ClinVar variation 3050860 (VCV003050860.4), dbSNP rs771235825, ClinGen allele CA503991441.

ClinVar aggregate classification (germline): Likely benign. Review status: criteria provided, single submitter (1 of 4 stars). 2 submissions from 2 submitters: Likely benign (1). 1 of the submissions does not count toward it. Last evaluated 2024-05-09.

Conditions:
MYO5B-related disorder. Also called: MYO5B-related condition.

Submissions (2):

Labcorp Genetics (formerly Invitae), Labcorp
Classification: Likely benign. Last evaluated: 2024-05-09. Review status: criteria provided, single submitter. Criteria: Invitae Variant Classification Sherloc (09022015). Collection method: clinical testing. Allele origin: germline.

PreventionGenetics, part of Exact Sciences
Classification: Likely benign for MYO5B-related condition. Last evaluated: 2022-06-23. Review status: no assertion criteria provided. Collection method: clinical testing. Allele origin: germline. Not counted in ClinVar's aggregate classification.
Comment: This variant is classified as likely benign based on ACMG/AMP sequence variant interpretation guidelines (Richards et al. 2015 PMID: 25741868, with internal and published modifications).